The following is an entry in ClinVar:

ClinVar aggregate classification (germline): Uncertain significance. Review status: criteria provided, multiple submitters, no conflicts (2 of 4 stars). 2 submissions from 2 submitters: Uncertain significance (2). Last evaluated 2025-12-04.

Conditions:
Primary ciliary dyskinesia 19. Also called: CILIARY DYSKINESIA, PRIMARY, 19, WITH OR WITHOUT SITUS INVERSUS. Identifiers: Orphanet 244, MedGen C3543826, MONDO:0013979, OMIM 614935.
Primary ciliary dyskinesia. Also called: Ciliary dyskinesia. Identifiers: Orphanet 244, MedGen C0008780, MONDO:0016575, HP:0012265.

Allele frequency attached by ClinVar (database versions not stated): TOPMed below 0.00001; ExAC 0.00002.
gnomAD v4.1: 35 of 1,613,546 alleles (0.0022%); highest among the groups gnomAD compares: South Asian, 0.032%; no homozygotes.

Submissions (2):

Ambry Genetics
Classification: Uncertain significance for Primary ciliary dyskinesia. Last evaluated: 2025-12-04. Review status: criteria provided, single submitter. Criteria: Ambry Variant Classification Scheme 2023. Collection method: clinical testing. Allele origin: germline.

Labcorp Genetics (formerly Invitae), Labcorp
Classification: Uncertain significance for Primary ciliary dyskinesia 19. Last evaluated: 2022-07-16. Review status: criteria provided, single submitter. Criteria: Invitae Variant Classification Sherloc (09022015). Collection method: clinical testing. Allele origin: germline.
Comment: This sequence change replaces serine, which is neutral and polar, with leucine, which is neutral and non-polar, at codon 27 of the LRRC6 protein (p.Ser27Leu). This variant is present in population databases (rs777870754, gnomAD 0.03%). This variant has not been reported in the literature in individuals affected with LRRC6-related conditions. Algorithms developed to predict the effect of missense changes on protein structure and function are either unavailable or do not agree on the potential impact of this missense change (SIFT: "Deleterious"; PolyPhen-2: "Probably Damaging"; Align-GVGD: "Class C0"). In summary, the available evidence is currently insufficient to determine the role of this variant in disease. Therefore, it has been classified as a Variant of Uncertain Significance.

NM_012472.6(DNAAF11):c.80C>T (p.Ser27Leu)

Gene: DNAAF11 (dynein axonemal assembly factor 11; minus strand). Cytogenetic location: 8q24.22.
Variant type: single nucleotide variant.
Coding change: c.80C>T on transcript NM_012472.6 (MANE Select); coding-DNA position 80, C replaced by T.
Protein change: p.Ser27Leu; replaces serine 27 with leucine.
Molecular consequence: missense variant. On other transcripts: 5 prime UTR variant (4), non-coding transcript variant (7), intron variant (1).
Genome position (GRCh38, 1-based): chr8:132,661,558, G>A on the plus strand (C>T on the coding strand, the complement: DNAAF11 is on the minus strand). VCF-style: chr8-132661558-G-A. GRCh37 (hg19) VCF-style: chr8-133673804-G-A.
Other names: c.80C>T, p.Ser27Leu (NM_001321961.2); c.-281C>T (NM_001321963.2, NM_001321964.2, NM_001321966.2); c.-594C>T (NM_001321965.2); c.10+13926C>T (NM_001321962.2); c.80C>T (NM_012472.3); short protein forms S27L.
Identifiers: ClinVar variation 2194735 (VCV002194735.1), dbSNP rs777870754, ClinGen allele CA4881474.